The following is an entry in ClinVar:

NM_032977.4(CASP10):c.555A>G (p.Ile185Met)

Gene: CASP10 (caspase 10; plus strand). Cytogenetic location: 2q33.1.
Variant type: single nucleotide variant.
Coding change: c.555A>G on transcript NM_032977.4 (MANE Select); coding-DNA position 555, A replaced by G.
Protein change: p.Ile185Met; replaces isoleucine 185 with methionine.
Molecular consequence: missense variant.
Genome position (GRCh38, 1-based): chr2:201,193,097, A>G. VCF-style: chr2-201193097-A-G. GRCh37 (hg19) VCF-style: chr2-202057820-A-G.
Other names: c.555A>G, p.Ile185Met (NM_001206524.2, NM_001206542.2, NM_001230.5 and 3 more transcripts); short protein forms I185M.
Identifiers: ClinVar variation 962796 (VCV000962796.13), dbSNP rs758869726, ClinGen allele CA2052901.

ClinVar aggregate classification (germline): Uncertain significance. Review status: criteria provided, multiple submitters, no conflicts (2 of 4 stars). 2 submissions from 2 submitters: Uncertain significance (2). Last evaluated 2025-11-06.

Conditions:
Autoimmune lymphoproliferative syndrome type 2A (ALPS2A). Also called: Autoimmune lymphoproliferative syndrome type 2; CASP10-Related Autoimmune Lymphoproliferative Syndrome; AUTOIMMUNE LYMPHOPROLIFERATIVE SYNDROME, TYPE IIA. Identifiers: Orphanet 3261, MedGen C1858968, MONDO:0011383, OMIM 603909.

Allele frequency attached by ClinVar (database versions not stated): gnomAD exomes 0.00001 and 0.00005; ExAC 0.00002; TOPMed 0.00002; gnomAD 0.00003.
gnomAD v4.1: 70 of 1,613,778 alleles (0.0043%); highest among the groups gnomAD compares: Non-Finnish European, 0.0056%; no homozygotes.

Submissions (2):

Labcorp Genetics (formerly Invitae), Labcorp
Classification: Uncertain significance for Autoimmune lymphoproliferative syndrome type 2A. Last evaluated: 2025-11-06. Review status: criteria provided, single submitter. Criteria: Invitae Variant Classification Sherloc (09022015). Collection method: clinical testing. Allele origin: germline.
Comment: This sequence change replaces isoleucine, which is neutral and non-polar, with methionine, which is neutral and non-polar, at codon 185 of the CASP10 protein (p.Ile185Met). This variant is present in population databases (rs758869726, gnomAD 0.004%). This variant has not been reported in the literature in individuals affected with CASP10-related conditions. ClinVar contains an entry for this variant (Variation ID: 962796). Invitae Evidence Modeling of protein sequence and biophysical properties (such as structural, functional, and spatial information, amino acid conservation, physicochemical variation, residue mobility, and thermodynamic stability) has been performed for this missense variant. However, the output from this modeling did not meet the statistical confidence thresholds required to predict the impact of this variant on CASP10 protein function. In summary, the available evidence is currently insufficient to determine the role of this variant in disease. Therefore, it has been classified as a Variant of Uncertain Significance.

Ambry Genetics
Classification: Uncertain significance. Last evaluated: 2023-12-06. Review status: criteria provided, single submitter. Criteria: Ambry Variant Classification Scheme 2023. Collection method: clinical testing. Allele origin: germline.